The following is an entry in ClinVar:

NM_005188.4(CBL):c.1374T>A (p.Asp458Glu)

Gene: CBL (Cbl proto-oncogene; plus strand). Cytogenetic location: 11q23.3.
Variant type: single nucleotide variant.
Coding change: c.1374T>A on transcript NM_005188.4 (MANE Select); coding-DNA position 1374, T replaced by A.
Protein change: p.Asp458Glu; replaces aspartic acid 458 with glutamic acid.
Molecular consequence: missense variant.
Genome position (GRCh38, 1-based): chr11:119,278,656, T>A. VCF-style: chr11-119278656-T-A. GRCh37 (hg19) VCF-style: chr11-119149366-T-A.
Other names: short protein forms D458E.
Identifiers: ClinVar variation 4219907 (VCV004219907.1).

ClinVar aggregate classification (germline): Uncertain significance (1 of 4 stars; one submission).

Conditions:
Cardiovascular phenotype. Identifiers: MedGen CN230736.

Submission:

Ambry Genetics
Classification: Uncertain significance for Cardiovascular phenotype. Last evaluated: 2025-08-20. Review status: criteria provided, single submitter. Criteria: Ambry Variant Classification Scheme 2023. Collection method: clinical testing. Allele origin: germline.
Comment: The p.D458E variant (also known as c.1374T>A), located in coding exon 9 of the CBL gene, results from a T to A substitution at nucleotide position 1374. The aspartic acid at codon 458 is replaced by glutamic acid, an amino acid with highly similar properties. This amino acid position is conserved. In addition, this alteration is predicted to be tolerated by in silico analysis. Based on the available evidence, the clinical significance of this variant remains unclear.